The following is an entry in ClinVar:

ClinVar aggregate classification (germline): Uncertain significance (1 of 4 stars; one submission).

Submission:

Labcorp Genetics (formerly Invitae), Labcorp
Classification: Uncertain significance. Last evaluated: 2022-04-01. Review status: criteria provided, single submitter. Criteria: Invitae Variant Classification Sherloc (09022015). Collection method: clinical testing. Allele origin: germline.
Comment: In summary, the available evidence is currently insufficient to determine the role of this variant in disease. Therefore, it has been classified as a Variant of Uncertain Significance. This sequence change replaces proline, which is neutral and non-polar, with leucine, which is neutral and non-polar, at codon 425 of the POC1B protein (p.Pro425Leu). This variant is not present in population databases (gnomAD no frequency). This variant has not been reported in the literature in individuals affected with POC1B-related conditions. Algorithms developed to predict the effect of missense changes on protein structure and function are either unavailable or do not agree on the potential impact of this missense change (SIFT: "Deleterious"; PolyPhen-2: "Possibly Damaging"; Align-GVGD: "Class C0").

NM_172240.3(POC1B):c.1274C>T (p.Pro425Leu)

Genes: POC1B (POC1 centriolar protein B; minus strand), POC1B-DUSP6 (POC1B-DUSP6 readthrough; minus strand). Cytogenetic location: 12q21.33.
Variant type: single nucleotide variant.
Coding change: c.1274C>T on transcript NM_172240.3 (MANE Select); coding-DNA position 1274, C replaced by T.
Protein change: p.Pro425Leu; replaces proline 425 with leucine.
Molecular consequence: missense variant. On other transcripts: non-coding transcript variant (2).
Genome position (GRCh38, 1-based): chr12:89,425,219, G>A on the plus strand (C>T on the coding strand, the complement: POC1B is on the minus strand). VCF-style: chr12-89425219-G-A. GRCh37 (hg19) VCF-style: chr12-89818996-G-A.
Other names: c.1148C>T, p.Pro383Leu (NM_001199777.2); short protein forms P383L, P425L.
Identifiers: ClinVar variation 2120771 (VCV002120771.4), dbSNP rs2540364528, ClinGen allele CA385985266.